The following is an entry in ClinVar:

ClinVar aggregate classification (germline): Uncertain significance. Review status: criteria provided, multiple submitters, no conflicts (2 of 4 stars). 3 submissions from 3 submitters: Uncertain significance (3). Last evaluated 2026-08-03.

Conditions:
Hereditary cancer-predisposing syndrome. Also called: Neoplastic Syndromes, Hereditary; Hereditary neoplastic syndrome; Hereditary Cancer Syndrome; Tumor predisposition. Identifiers: Orphanet 140162, MedGen C0027672, MeSH D009386, MONDO:0015356.
Cardiovascular phenotype. Identifiers: MedGen CN230736.
Neurofibromatosis, type 1 (NF1). Also called: VON RECKLINGHAUSEN DISEASE; Neurofibromatosis, type I; Peripheral type neurofibromatosis; NEUROFIBROMATOSIS, TYPE I, SOMATIC. Identifiers: Orphanet 636, MedGen C0027831, MONDO:0018975, OMIM 162200. Disease mechanism: loss of function.

Allele frequency attached by ClinVar (database versions not stated): TOPMed below 0.00001; gnomAD 0.00001.
gnomAD v4.1: 1 of 1,613,782 alleles (0.000062%); highest among the groups gnomAD compares: Non-Finnish European, 0.000085%; no homozygotes.

Submissions (3):

Ambry Genetics
Classification: Uncertain significance for Cardiovascular phenotype; Hereditary cancer-predisposing syndrome. Last evaluated: 2026-08-03. Review status: criteria provided, single submitter. Criteria: Ambry Variant Classification Scheme 2023. Collection method: clinical testing. Allele origin: germline.

Labcorp Genetics (formerly Invitae), Labcorp
Classification: Uncertain significance for Neurofibromatosis, type 1. Last evaluated: 2024-03-26. Review status: criteria provided, single submitter. Criteria: Invitae Variant Classification Sherloc (09022015). Collection method: clinical testing. Allele origin: germline.
Comment: This sequence change replaces glutamine, which is neutral and polar, with proline, which is neutral and non-polar, at codon 682 of the NF1 protein (p.Gln682Pro). This variant is not present in population databases (gnomAD no frequency). This variant has not been reported in the literature in individuals affected with NF1-related conditions. ClinVar contains an entry for this variant (Variation ID: 484149). Advanced modeling of protein sequence and biophysical properties (such as structural, functional, and spatial information, amino acid conservation, physicochemical variation, residue mobility, and thermodynamic stability) performed at Invitae indicates that this missense variant is expected to disrupt NF1 protein function with a positive predictive value of 95%. In summary, the available evidence is currently insufficient to determine the role of this variant in disease. Therefore, it has been classified as a Variant of Uncertain Significance.

Genome-Nilou Lab
Classification: Uncertain significance for Neurofibromatosis, type 1. Last evaluated: 2022-03-15. Review status: criteria provided, single submitter. Criteria: ACMG Guidelines, 2015. Collection method: clinical testing. Allele origin: germline. Affected: no.

NM_001042492.3(NF1):c.2045A>C (p.Gln682Pro)

Gene: NF1 (neurofibromin 1; plus strand). Cytogenetic location: 17q11.2.
Variant type: single nucleotide variant.
Coding change: c.2045A>C on transcript NM_001042492.3 (MANE Select); coding-DNA position 2045, A replaced by C.
Protein change: p.Gln682Pro; replaces glutamine 682 with proline.
Molecular consequence: missense variant.
Genome position (GRCh38, 1-based): chr17:31,226,478, A>C. VCF-style: chr17-31226478-A-C. GRCh37 (hg19) VCF-style: chr17-29553496-A-C.
Other names: c.2045A>C, p.Gln682Pro (NM_000267.4); short protein forms Q682P.
Identifiers: ClinVar variation 484149 (VCV000484149.15), dbSNP rs1304889984, ClinGen allele CA398982070.